The following is an entry in ClinVar:

ClinVar aggregate classification (germline): Uncertain significance. Review status: criteria provided, multiple submitters, no conflicts (2 of 4 stars). 2 submissions from 2 submitters: Uncertain significance (2). Last evaluated 2024-08-26.

Allele frequency attached by ClinVar (database versions not stated): gnomAD exomes below 0.00001; TOPMed below 0.00001; gnomAD 0.00001.
gnomAD v4.1: 6 of 1,614,070 alleles (0.00037%); highest among the groups gnomAD compares: South Asian, 0.0011%; no homozygotes.

Submissions (2):

Women's Health and Genetics/Laboratory Corporation of America, LabCorp
Classification: Uncertain significance. Last evaluated: 2024-08-26. Review status: criteria provided, single submitter. Criteria: LabCorp Variant Classification Summary - May 2015. Collection method: clinical testing. Allele origin: germline.
Comment: Variant summary: KCNJ1 c.959T>C (p.Leu320Pro) results in a non-conservative amino acid change located in the inward rectifier potassium channel, C-terminal domain (IPR041647) of the encoded protein sequence. Five of five in-silico tools predict a damaging effect of the variant on protein function. The variant was absent in 251150 control chromosomes. The available data on variant occurrences in the general population are insufficient to allow any conclusion about variant significance. c.959T>C has been reported in the literature in the compound heterozygous state in at least one individual affected with Bartter Syndrome, Type 2 (e.g. Brochard_2009). These report(s) do not provide unequivocal conclusions about association of the variant with Bartter Syndrome, Type 2. At least two publications report experimental evidence evaluating an impact on protein function, however, do not allow convincing conclusions about the variant effect (e.g. Peters_2003, Nguyen_2023). The following publications have been ascertained in the context of this evaluation (PMID: 19096086, 37956218, 12911542). ClinVar contains an entry for this variant (Variation ID: 1037358). Based on the evidence outlined above, the variant was classified as uncertain significance.

Labcorp Genetics (formerly Invitae), Labcorp
Classification: Uncertain significance. Last evaluated: 2020-01-17. Review status: criteria provided, single submitter. Criteria: Invitae Variant Classification Sherloc (09022015). Collection method: clinical testing. Allele origin: germline.
Comment: In summary, the available evidence is currently insufficient to determine the role of this variant in disease. Therefore, it has been classified as a Variant of Uncertain Significance. Algorithms developed to predict the effect of missense changes on protein structure and function are either unavailable or do not agree on the potential impact of this missense change (SIFT: "Deleterious"; PolyPhen-2: "Probably Damaging"; Align-GVGD: "Class C0"). This variant has been observed in individual(s) with Bartter syndrome (PMID: 19096086). This variant is not present in population databases (ExAC no frequency). This sequence change replaces leucine with proline at codon 320 of the KCNJ1 protein (p.Leu320Pro). The leucine residue is highly conserved and there is a moderate physicochemical difference between leucine and proline.

Literature cited by the submitters: PubMed 19096086 (cited by Women's Health and Genetics/Laboratory Corporation of America, LabCorp and Labcorp Genetics (formerly Invitae), Labcorp); PubMed 12911542 (cited by Women's Health and Genetics/Laboratory Corporation of America, LabCorp); PubMed 37956218 (cited by Women's Health and Genetics/Laboratory Corporation of America, LabCorp).

NM_153766.3(KCNJ1):c.902T>C (p.Leu301Pro)

Gene: KCNJ1 (potassium inwardly rectifying channel subfamily J member 1; minus strand). Cytogenetic location: 11q24.3.
Variant type: single nucleotide variant.
Coding change: c.902T>C on transcript NM_153766.3 (MANE Select); coding-DNA position 902, T replaced by C.
Protein change: p.Leu301Pro; replaces leucine 301 with proline.
Molecular consequence: missense variant.
Genome position (GRCh38, 1-based): chr11:128,839,342, A>G on the plus strand (T>C on the coding strand, the complement: KCNJ1 is on the minus strand). VCF-style: chr11-128839342-A-G. GRCh37 (hg19) VCF-style: chr11-128709237-A-G.
Other names: c.959T>C, p.Leu320Pro (NM_000220.6); c.902T>C, p.Leu301Pro (NM_153764.3, NM_153767.4); c.953T>C, p.Leu318Pro (NM_153765.3); short protein forms L320P, L301P, L318P.
Identifiers: ClinVar variation 1037358 (VCV001037358.9), dbSNP rs1424774962, ClinGen allele CA383243364.
Genomic context (GRCh38, chr11:128,839,342, plus strand): 5'-TCCACTCGGTATTTCCCTTCCTTTGTCTTGGATACTATGGGAGCAAAACGGTAGCCCCAA[A>G]GCACCTCCTCTGGGACATAGGATGTCCGGACTTGGCAGGTAGCACTGGTGGACTCCACTG-3'
Protein context (NP_722450.1, residues 291-311): VRTSYVPEEV[Leu301Pro]WGYRFAPIVS